The following is an entry in ClinVar:

ClinVar aggregate classification (germline): Benign/Likely benign. Review status: criteria provided, multiple submitters, no conflicts (2 of 4 stars). 4 submissions from 4 submitters: Benign (2); Likely benign (1). 1 of the submissions does not count toward it. Last evaluated 2024-10-22.

Allele frequency attached by ClinVar (database versions not stated): gnomAD exomes 0.00042 and 0.00117; ExAC 0.00148; gnomAD 0.00423 and 0.00444; TOPMed 0.00478; ESP Exome Variant Server 0.00538; 1000 Genomes Project 0.00639; 1000 Genomes Project 30x 0.00640.
gnomAD v4.1: 1,266 of 1,614,130 alleles (0.078%); highest among the groups gnomAD compares: African/African-American, 1.6%; 9 homozygotes.

Submissions (4):

Blueprint Genetics
Classification: Likely benign. Last evaluated: 2024-10-22. Review status: criteria provided, single submitter. Criteria: ACMG Guidelines, 2015. Collection method: clinical testing. Allele origin: germline.

Labcorp Genetics (formerly Invitae), Labcorp
Classification: Benign. Last evaluated: 2019-12-31. Review status: criteria provided, single submitter. Criteria: Invitae Variant Classification Sherloc (09022015). Collection method: clinical testing. Allele origin: germline.

Breakthrough Genomics
Classification: Benign. Review status: criteria provided, single submitter. Criteria: ACMG Guidelines, 2015. Collection method: not provided. Allele origin: germline. Inheritance: Autosomal dominant inheritance. Affected: yes.

Genetic Services Laboratory, University of Chicago
Classification: Likely benign for AllHighlyPenetrant. Review status: no assertion criteria provided. Collection method: clinical testing. Allele origin: germline. Inheritance: Autosomal dominant inheritance. Not counted in ClinVar's aggregate classification.
Comment: Likely benign based on allele frequency in 1000 Genomes Project or ESP global frequency and its presence in a patient with a rare or unrelated disease phenotype. NOT Sanger confirmed.

NM_012156.2(EPB41L1):c.1197C>T (p.Thr399=)

Gene: EPB41L1 (erythrocyte membrane protein band 4.1 like 1; plus strand). Cytogenetic location: 20q11.23.
Variant type: single nucleotide variant.
Coding change: c.1197C>T on transcript NM_012156.2 (MANE Select); coding-DNA position 1197, C replaced by T.
Protein change: p.Thr399=; no amino-acid change (threonine 399 retained).
Molecular consequence: synonymous variant.
Genome position (GRCh38, 1-based): chr20:36,190,694, C>T. VCF-style: chr20-36190694-C-T. GRCh37 (hg19) VCF-style: chr20-34778616-C-T.
Other names: c.1197C>T, p.Thr399= (NM_001258329.1); c.1104C>T, p.Thr368= (NM_001258330.1); c.1011C>T, p.Thr337= (NM_001258331.2, NM_177996.2).
Identifiers: ClinVar variation 128995 (VCV000128995.12), dbSNP rs115743976, ClinGen allele CA152731.
Genomic context (GRCh38, chr20:36,190,694, plus strand): 5'-TGAGCCCCCACCCAAGGGCTTCCTGGTGATGGGCTCCAAGTTCCGGTACAGTGGGAGGAC[C>T]CAGGCACAGACTCGCCAGGCCAGCGCCCTCATTGACCGGCCTGCACCCTTCTTTGAGCGT-3'
Protein context (NP_036288.2, residues 389-409): MGSKFRYSGR[Thr399=]QAQTRQASAL